The following is an entry in ClinVar:

NM_000263.4(NAGLU):c.1889T>G (p.Val630Gly)

Gene: NAGLU (N-acetyl-alpha-glucosaminidase; plus strand). Cytogenetic location: 17q21.2.
Variant type: single nucleotide variant.
Coding change: c.1889T>G on transcript NM_000263.4 (MANE Select); coding-DNA position 1889, T replaced by G.
Protein change: p.Val630Gly; replaces valine 630 with glycine.
Molecular consequence: missense variant.
Genome position (GRCh38, 1-based): chr17:42,543,895, T>G. VCF-style: chr17-42543895-T-G. GRCh37 (hg19) VCF-style: chr17-40695913-T-G.
Other names: short protein forms V630G.
Identifiers: ClinVar variation 2151982 (VCV002151982.1), dbSNP rs751264692, ClinGen allele CA8577115.
Genomic context (GRCh38, chr17:42,543,895, plus strand): 5'-TGGCTAGTGACAGCCGCTTCTTGCTGGGCAGCTGGCTAGAGCAGGCCCGAGCAGCGGCAG[T>G]CAGTGAGGCCGAGGCCGATTTCTACGAGCAGAACAGCCGCTACCAGCTGACCTTGTGGGG-3'
Protein context (NP_000254.2, residues 620-640): SWLEQARAAA[Val630Gly]SEAEADFYEQ

ClinVar aggregate classification (germline): Uncertain significance (1 of 4 stars; one submission).

Conditions:
Charcot-Marie-Tooth disease axonal type 2V. Also called: CHARCOT-MARIE-TOOTH NEUROPATHY, TYPE 2V; CHARCOT-MARIE-TOOTH DISEASE, AXONAL, AUTOSOMAL DOMINANT, TYPE 2V. Identifiers: Orphanet 447964, MedGen C5569050, MONDO:0014665, OMIM 616491.
Mucopolysaccharidosis, MPS-III-B (MPS3B). Also called: N-ACETYL-ALPHA-D-GLUCOSAMINIDASE DEFICIENCY; NAGLU DEFICIENCY; SANFILIPPO SYNDROME B; MPS III B; MUCOPOLYSACCHARIDOSIS, TYPE IIIB; MPS IIIB (Sanfilippo Syndrome Type B). Identifiers: Orphanet 79270, MedGen C0086648, MONDO:0009656, OMIM 252920.

Allele frequency attached by ClinVar (database versions not stated): ExAC 0.00007; TOPMed 0.00003; gnomAD 0.00001; gnomAD exomes 0.00005.
gnomAD v4.1: 71 of 1,605,346 alleles (0.0044%); highest among the groups gnomAD compares: Non-Finnish European, 0.0057%; no homozygotes.

Submission:

Labcorp Genetics (formerly Invitae), Labcorp
Classification: Uncertain significance for Charcot-Marie-Tooth disease axonal type 2V; Mucopolysaccharidosis, MPS-III-B. Last evaluated: 2022-08-10. Review status: criteria provided, single submitter. Criteria: Invitae Variant Classification Sherloc (09022015). Collection method: clinical testing. Allele origin: germline.
Comment: This sequence change replaces valine, which is neutral and non-polar, with glycine, which is neutral and non-polar, at codon 630 of the NAGLU protein (p.Val630Gly). This variant is present in population databases (rs751264692, gnomAD 0.01%). This variant has not been reported in the literature in individuals affected with NAGLU-related conditions. Advanced modeling of protein sequence and biophysical properties (such as structural, functional, and spatial information, amino acid conservation, physicochemical variation, residue mobility, and thermodynamic stability) performed at Invitae indicates that this missense variant is not expected to disrupt NAGLU protein function. In summary, the available evidence is currently insufficient to determine the role of this variant in disease. Therefore, it has been classified as a Variant of Uncertain Significance.